The following is an entry in ClinVar:

ClinVar aggregate classification (germline): Uncertain significance (1 of 4 stars; one submission).

Conditions:
Leigh syndrome (NULS). Also called: Leigh's necrotizing encephalopathy; Leigh's disease; Leigh Syndrome (mtDNA deletion); Leigh Disease; Subacute necrotizing encephalopathy; Necrotizing encephalopathy infantile subacute of Leigh. Identifiers: Orphanet 506, MedGen C2931891, MONDO:0009723, OMIM 256000.

Submission:

Wong Mito Lab, Molecular and Human Genetics, Baylor College of Medicine
Classification: Uncertain significance for Leigh syndrome. Last evaluated: 2019-10-17. Review status: criteria provided, single submitter. Criteria: Modified ACMG Guidelines (Unpublished). Collection method: clinical testing. Allele origin: germline.
Comment: The NC_012920.1:m.7874A>G (YP_003024029.1:p.Ile97Val) variant in MTCO2 gene is interpretated to be a Uncertain Significance variant based on the modified ACMG guidelines (unpublished). This variant meets the following evidence codes: BS1

NC_012920.1(MT-CO2):m.7874A>G

Gene: MT-CO2 (mitochondrially encoded cytochrome c oxidase II; plus strand).
Variant type: single nucleotide variant.
Genome position: chrM-7874-A-G.
Identifiers: ClinVar variation 692792 (VCV000692792.1), dbSNP rs1603221191, ClinGen allele CA414794096.
Genomic context (GRCh38, chrMT:7,874, plus strand): 5'-GCCCTCCCATCCCTACGCATCCTTTACATAACAGACGAGGTCAACGATCCCTCCCTTACC[A>G]TCAAATCAATTGGCCACCAATGGTACTGAACCTACGAGTACACCGACTACGGCGGACTAA-3'